The following is an entry in ClinVar:

NM_000548.5(TSC2):c.2524C>G (p.Pro842Ala)

Gene: TSC2 (TSC complex subunit 2; plus strand). Cytogenetic location: 16p13.3.
Variant type: single nucleotide variant.
Coding change: c.2524C>G on transcript NM_000548.5 (MANE Select); coding-DNA position 2524, C replaced by G.
Protein change: p.Pro842Ala; replaces proline 842 with alanine.
Molecular consequence: missense variant. On other transcripts: non-coding transcript variant (5).
Genome position (GRCh38, 1-based): chr16:2,074,368, C>G. VCF-style: chr16-2074368-C-G. GRCh37 (hg19) VCF-style: chr16-2124369-C-G.
Other names: c.2524C>G, p.Pro842Ala (NM_001077183.3, NM_001114382.3, NM_001363528.2 and 6 more transcripts); c.2413C>G, p.Pro805Ala (NM_001318827.2, NM_001406678.1, NM_001406670.1); c.2377C>G, p.Pro793Ala (NM_001318829.2, NM_001406679.1, NM_001406675.1 and 1 more transcripts); c.1924C>G, p.Pro642Ala (NM_001318831.2, NM_001406680.1, NM_001406682.1 and 6 more transcripts); c.2557C>G, p.Pro853Ala (NM_001318832.2); c.2062C>G, p.Pro688Ala (NM_001406681.1); c.1180C>G, p.Pro394Ala (NM_001406697.1, NM_001406689.1, NM_001406690.1 and 6 more transcripts); c.922C>G, p.Pro308Ala (NM_001406698.1); and 3 more; short protein forms P308A, P394A, P642A, P688A, P793A, P805A, P823A, P838A.
Identifiers: ClinVar variation 3232117 (VCV003232117.4), dbSNP rs1271366576, ClinGen allele CA394277939.
Genomic context (GRCh38, chr16:2,074,368, plus strand): 5'-GCGCTGCCTGTTCTGGTGGTGAAGCTCACGCACATCTCAGCCACAGCCAGCATGGCCGTC[C>G]CACTGCTGGAGTTCCTGTCCAGTGAGTCCCCGCCCTGCCTGCGCATGCACCCGAGAGGTT-3'
Protein context (NP_000539.2, residues 832-852): HISATASMAV[Pro842Ala]LLEFLSTLAR

ClinVar aggregate classification (germline): Uncertain significance. Review status: criteria provided, multiple submitters, no conflicts (2 of 4 stars). 4 submissions from 4 submitters: Uncertain significance (4). Last evaluated 2025-06-25.

Conditions:
Isolated focal cortical dysplasia type II (FCORD2). Also called: Focal cortical dysplasia type II; CORTICAL DYSPLASIA OF TAYLOR. Identifiers: Orphanet 268994, MedGen C1846385, MONDO:0011818, OMIM 607341, HP:0032051.
Lymphangiomyomatosis (LAM). Also called: Lymphangioleiomyomatosis; Lymphangioleiomyomatosis, somatic. Identifiers: Orphanet 538, MedGen C0751674, MONDO:0011705, OMIM 606690.
Tuberous sclerosis 2 (TSC2). Identifiers: Orphanet 805, MedGen C1860707, MONDO:0013199, OMIM 613254.
Hereditary cancer-predisposing syndrome. Also called: Hereditary Cancer Syndrome; Tumor predisposition; Neoplastic Syndromes, Hereditary; Hereditary neoplastic syndrome. Identifiers: Orphanet 140162, MedGen C0027672, MeSH D009386, MONDO:0015356.

Allele frequency attached by ClinVar (database versions not stated): TOPMed below 0.00001.

Submissions (4):

Labcorp Genetics (formerly Invitae), Labcorp
Classification: Uncertain significance for Tuberous sclerosis 2. Last evaluated: 2025-06-25. Review status: criteria provided, single submitter. Criteria: Invitae Variant Classification Sherloc (09022015). Collection method: clinical testing. Allele origin: germline.
Comment: This sequence change replaces proline, which is neutral and non-polar, with alanine, which is neutral and non-polar, at codon 842 of the TSC2 protein (p.Pro842Ala). This variant is not present in population databases (gnomAD no frequency). This variant has not been reported in the literature in individuals affected with TSC2-related conditions. ClinVar contains an entry for this variant (Variation ID: 3232117). Invitae Evidence Modeling of protein sequence and biophysical properties (such as structural, functional, and spatial information, amino acid conservation, physicochemical variation, residue mobility, and thermodynamic stability) indicates that this missense variant is not expected to disrupt TSC2 protein function with a negative predictive value of 95%. In summary, the available evidence is currently insufficient to determine the role of this variant in disease. Therefore, it has been classified as a Variant of Uncertain Significance.

Fulgent Genetics
Classification: Uncertain significance for Lymphangiomyomatosis; Isolated focal cortical dysplasia type II; Tuberous sclerosis 2. Last evaluated: 2024-04-26. Review status: criteria provided, single submitter. Criteria: ACMG Guidelines, 2015. Collection method: clinical testing. Allele origin: germline.

Ambry Genetics
Classification: Uncertain significance for Hereditary cancer-predisposing syndrome. Last evaluated: 2024-01-31. Review status: criteria provided, single submitter. Criteria: Ambry Variant Classification Scheme 2023. Collection method: clinical testing. Allele origin: germline.
Comment: The p.P842A variant (also known as c.2524C>G), located in coding exon 21 of the TSC2 gene, results from a C to G substitution at nucleotide position 2524. The proline at codon 842 is replaced by alanine, an amino acid with highly similar properties. This amino acid position is conserved. In addition, this alteration is predicted to be deleterious by in silico analysis. Based on the available evidence, the clinical significance of this alteration remains unclear.

Baylor Genetics
Classification: Uncertain significance for Isolated focal cortical dysplasia type II. Last evaluated: 2024-01-12. Review status: criteria provided, single submitter. Criteria: ACMG Guidelines, 2015. Collection method: clinical testing. Allele origin: unknown.